The following is an entry in ClinVar:

ClinVar aggregate classification (germline): Uncertain significance (1 of 4 stars; one submission).

Conditions:
Charcot-Marie-Tooth disease axonal type 2Z. Also called: CHARCOT-MARIE-TOOTH DISEASE, AXONAL, AUTOSOMAL DOMINANT, TYPE 2Z; CHARCOT-MARIE-TOOTH NEUROPATHY, TYPE 2Z. Identifiers: Orphanet 466768, MedGen C5569025, MONDO:0014736, OMIM 616688.

Allele frequency attached by ClinVar (database versions not stated): gnomAD 0.00001.

Submission:

Labcorp Genetics (formerly Invitae), Labcorp
Classification: Uncertain significance for Charcot-Marie-Tooth disease axonal type 2Z. Last evaluated: 2021-03-31. Review status: criteria provided, single submitter. Criteria: Invitae Variant Classification Sherloc (09022015). Collection method: clinical testing. Allele origin: germline.
Comment: This sequence change replaces arginine with glutamine at codon 437 of the MORC2 protein (p.Arg437Gln). The arginine residue is highly conserved and there is a small physicochemical difference between arginine and glutamine. This variant is not present in population databases (ExAC no frequency). This variant has been observed in individual(s) with clinical features of Charcot-Marie-Tooth disease (Invitae). ClinVar contains an entry for this variant (Variation ID: 948848). Advanced modeling of protein sequence and biophysical properties (such as structural, functional, and spatial information, amino acid conservation, physicochemical variation, residue mobility, and thermodynamic stability) performed at Invitae indicates that this missense variant is expected to disrupt MORC2 protein function. In summary, the available evidence is currently insufficient to determine the role of this variant in disease. Therefore, it has been classified as a Variant of Uncertain Significance.

NM_001303256.3(MORC2):c.1310G>A (p.Arg437Gln)

Gene: MORC2 (MORC family CW-type zinc finger 2; minus strand). Cytogenetic location: 22q12.2.
Variant type: single nucleotide variant.
Coding change: c.1310G>A on transcript NM_001303256.3 (MANE Select); coding-DNA position 1310, G replaced by A.
Protein change: p.Arg437Gln; replaces arginine 437 with glutamine.
Molecular consequence: missense variant.
Genome position (GRCh38, 1-based): chr22:30,937,874, C>T on the plus strand (G>A on the coding strand, the complement: MORC2 is on the minus strand). VCF-style: chr22-30937874-C-T. GRCh37 (hg19) VCF-style: chr22-31333861-C-T.
Other names: c.1310G>A, p.Arg437Gln (NM_001303257.2); c.1124G>A, p.Arg375Gln (NM_014941.3); short protein forms R375Q, R437Q.
Identifiers: ClinVar variation 948848 (VCV000948848.8), dbSNP rs2040679348, ClinGen allele CA411238772.